The following is an entry in ClinVar:

ClinVar aggregate classification (germline): Benign/Likely benign. Review status: criteria provided, multiple submitters, no conflicts (2 of 4 stars). 3 submissions from 3 submitters: Benign (1); Likely benign (2). Last evaluated 2026-01-27.

Allele frequency attached by ClinVar (database versions not stated): gnomAD exomes 0.00004 and 0.00014; ExAC 0.00024; gnomAD 0.00054 and 0.00056; TOPMed 0.00056; ESP Exome Variant Server 0.00085; 1000 Genomes Project 0.00100; 1000 Genomes Project 30x 0.00125.
gnomAD v4.1: 143 of 1,614,058 alleles (0.0089%); highest among the groups gnomAD compares: African/African-American, 0.19%; no homozygotes.

Submissions (3):

Labcorp Genetics (formerly Invitae), Labcorp
Classification: Benign. Last evaluated: 2026-01-27. Review status: criteria provided, single submitter. Criteria: Invitae Variant Classification Sherloc (09022015). Collection method: clinical testing. Allele origin: germline.

CeGaT Center for Human Genetics Tuebingen
Classification: Likely benign. Last evaluated: 2024-11-01. Review status: criteria provided, single submitter. Criteria: CeGaT Center For Human Genetics Tuebingen Variant Classification Criteria Version 2. Collection method: clinical testing. Allele origin: germline. Affected: yes. Observed: 1 variant allele.
Comment: PARS2: BP4, BP7

GeneDx
Classification: Likely benign. Last evaluated: 2017-02-15. Review status: criteria provided, single submitter. Criteria: GeneDx Variant Classification (06012015). Collection method: clinical testing. Allele origin: germline. Affected: yes.
Comment: This variant is considered likely benign or benign based on one or more of the following criteria: it is a conservative change, it occurs at a poorly conserved position in the protein, it is predicted to be benign by multiple in silico algorithms, and/or has population frequency not consistent with disease.

NM_152268.4(PARS2):c.1116C>T (p.Ala372=)

Gene: PARS2 (prolyl-tRNA synthetase 2, mitochondrial; minus strand). Cytogenetic location: 1p32.3.
Variant type: single nucleotide variant.
Coding change: c.1116C>T on transcript NM_152268.4 (MANE Select); coding-DNA position 1116, C replaced by T.
Protein change: p.Ala372=; no amino-acid change (alanine 372 retained).
Molecular consequence: synonymous variant.
Genome position (GRCh38, 1-based): chr1:54,758,046, G>A on the plus strand (C>T on the coding strand, the complement: PARS2 is on the minus strand). VCF-style: chr1-54758046-G-A. GRCh37 (hg19) VCF-style: chr1-55223719-G-A.
Identifiers: ClinVar variation 507442 (VCV000507442.23), dbSNP rs141250027, ClinGen allele CA869359.